The following is an entry in ClinVar:

ClinVar aggregate classification (germline): Pathogenic (1 of 4 stars; one submission).

Conditions:
Cornelia de Lange syndrome 1 (CDLS1). Also called: Brachmann de Lange syndrome; TYPUS DEGENERATIVUS AMSTELODAMENSIS; NIPBL-Related Cornelia de Lange Syndrome. Identifiers: Orphanet 199, MedGen C4551851, MONDO:0007387, OMIM 122470.

Submission:

Labcorp Genetics (formerly Invitae), Labcorp
Classification: Pathogenic for Cornelia de Lange syndrome 1. Last evaluated: 2023-11-27. Review status: criteria provided, single submitter. Criteria: Invitae Variant Classification Sherloc (09022015). Collection method: clinical testing. Allele origin: germline.
Comment: This sequence change replaces glycine, which is neutral and non-polar, with arginine, which is basic and polar, at codon 2381 of the NIPBL protein (p.Gly2381Arg). This variant is not present in population databases (gnomAD no frequency). This missense change has been observed in individual(s) with clinical features of Cornelia de Lange syndrome (Invitae). In at least one individual the variant was observed to be de novo. Advanced modeling of protein sequence and biophysical properties (such as structural, functional, and spatial information, amino acid conservation, physicochemical variation, residue mobility, and thermodynamic stability) performed at Invitae indicates that this missense variant is expected to disrupt NIPBL protein function with a positive predictive value of 95%. This variant disrupts the p.Gly2381 amino acid residue in NIPBL. Other variant(s) that disrupt this residue have been observed in individuals with NIPBL-related conditions (PMID: 15318302, 31157197), which suggests that this may be a clinically significant amino acid residue. For these reasons, this variant has been classified as Pathogenic.

Literature cited by the submitters: PubMed 15318302; PubMed 31157197.

NM_133433.4(NIPBL):c.7141G>C (p.Gly2381Arg)

Gene: NIPBL (NIPBL cohesin loading factor; plus strand). Cytogenetic location: 5p13.2.
Variant type: single nucleotide variant.
Coding change: c.7141G>C on transcript NM_133433.4 (MANE Select); coding-DNA position 7141, G replaced by C.
Protein change: p.Gly2381Arg; replaces glycine 2381 with arginine.
Molecular consequence: missense variant.
Genome position (GRCh38, 1-based): chr5:37,052,444, G>C. VCF-style: chr5-37052444-G-C. GRCh37 (hg19) VCF-style: chr5-37052546-G-C.
Other names: c.7141G>C, p.Gly2381Arg (NM_015384.5); short protein forms G2381R.
Identifiers: ClinVar variation 2747237 (VCV002747237.3), dbSNP rs587784035, ClinGen allele CA359511395.
Genomic context (GRCh38, chr5:37,052,444, plus strand): 5'-ATGAAGATGTCTTACCAGGTACAACAGGCAATCAACACATGCCTAAAAGATCCTGTAAGG[G>C]GTTTCAGACAAGACGAGTCCTCTAGCGCTTTGTGTTCACACCTTTACTCCATGATCCGTG-3'
Protein context (NP_597677.2, residues 2371-2391): INTCLKDPVR[Gly2381Arg]FRQDESSSAL